The following is an entry in ClinVar:

ClinVar aggregate classification (germline): Uncertain significance (1 of 4 stars; one submission).

Allele frequency attached by ClinVar (database versions not stated): ExAC 0.00001; gnomAD 0.00001.
gnomAD v4.1: 9 of 1,194,677 alleles (0.00075%); highest among the groups gnomAD compares: Admixed American, 0.0022%; no homozygotes.

Submission:

Labcorp Genetics (formerly Invitae), Labcorp
Classification: Uncertain significance. Last evaluated: 2022-06-24. Review status: criteria provided, single submitter. Criteria: Invitae Variant Classification Sherloc (09022015). Collection method: clinical testing. Allele origin: germline.
Comment: In summary, the available evidence is currently insufficient to determine the role of this variant in disease. Therefore, it has been classified as a Variant of Uncertain Significance. Algorithms developed to predict the effect of missense changes on protein structure and function are either unavailable or do not agree on the potential impact of this missense change (SIFT: "Deleterious"; PolyPhen-2: "Possibly Damaging"; Align-GVGD: "Class C0"). This variant has not been reported in the literature in individuals affected with PLS3-related conditions. The frequency data for this variant in the population databases is considered unreliable, as metrics indicate poor data quality at this position in the gnomAD database. This sequence change replaces arginine, which is basic and polar, with histidine, which is basic and polar, at codon 94 of the PLS3 protein (p.Arg94His).

NM_005032.7(PLS3):c.281G>A (p.Arg94His)

Gene: PLS3 (plastin 3; plus strand). Cytogenetic location: Xq23.
Variant type: single nucleotide variant.
Coding change: c.281G>A on transcript NM_005032.7 (MANE Select); coding-DNA position 281, G replaced by A.
Protein change: p.Arg94His; replaces arginine 94 with histidine.
Molecular consequence: missense variant.
Genome position (GRCh38, 1-based): chrX:115,629,241, G>A. VCF-style: chrX-115629241-G-A. GRCh37 (hg19) VCF-style: chrX-114863553-G-A.
Other names: c.281G>A, p.Arg94His (NM_001136025.5); c.200G>A, p.Arg67His (NM_001172335.3); c.215G>A, p.Arg72His (NM_001282337.2); c.146G>A, p.Arg49His (NM_001282338.2); short protein forms R49H, R94H, R67H, R72H.
Identifiers: ClinVar variation 2100052 (VCV002100052.4), dbSNP rs782676126, ClinGen allele CA10496865.